The following is an entry in ClinVar:

ClinVar aggregate classification (germline): Conflicting classifications of pathogenicity. Review status: criteria provided, conflicting classifications (1 of 4 stars). 6 submissions from 6 submitters: Pathogenic (2); Likely pathogenic (1); Uncertain significance (2). 1 of the submissions does not count toward it. Last evaluated 2025-07-01.

Conditions:
LAMA2-related muscular dystrophy (LAMA2-RD). Also called: Laminin alpha 2-related dystrophy. Identifiers: MedGen C5679788, MONDO:0100228.
Congenital muscular dystrophy due to partial LAMA2 deficiency. Identifiers: MedGen C1842898.

Allele frequency attached by ClinVar (database versions not stated): gnomAD 0.00001; gnomAD exomes 0.00001; TOPMed 0.00002.
gnomAD v4.1: 8 of 1,613,968 alleles (0.0005%); highest among the groups gnomAD compares: Non-Finnish European, 0.00068%; no homozygotes.

Submissions (6):

Women's Health and Genetics/Laboratory Corporation of America, LabCorp
Classification: Likely pathogenic for LAMA2-related muscular dystrophy. Last evaluated: 2025-07-01. Review status: criteria provided, single submitter. Criteria: LabCorp Variant Classification Summary - May 2015. Collection method: clinical testing. Allele origin: germline.
Comment: Variant summary: LAMA2 c.2584T>C (p.Cys862Arg) results in a non-conservative amino acid change in the encoded protein sequence. Algorithms developed to predict the effect of missense changes on protein structure and function all suggest that this variant is likely to be disruptive. The variant was absent in 251434 control chromosomes. c.2584T>C has been observed in the homozygous and presumed compound heterozygous state in multiple individual(s) affected with Laminin Alpha 2-Related Dystrophy (example, Tezak_2003, Gonoransky_2019, Gonzalez_Quereda_2020, Labcorp Genetics (formerly Invitae)). These data indicate that the variant is likely to be associated with disease. One publication reports partially reduced (not quantified) levels of LAMA2 protein in patient samples, however, does not allow convincing conclusions about the variant effect (Tezak_2003). The following publications have been ascertained in the context of this evaluation (PMID: 12552556, 30055037, 30827497, 32403337, 18430779, 32266982, 39177609, 31051109, 35924034). ClinVar contains an entry for this variant (Variation ID: 14297). Based on the evidence outlined above, the variant was classified as likely pathogenic.

Mayo Clinic Laboratories, Mayo Clinic
Classification: Pathogenic. Last evaluated: 2025-04-25. Review status: criteria provided, single submitter. Criteria: ACMG Guidelines, 2015. Collection method: clinical testing. Allele origin: germline. Observed: 1 variant allele.
Comment: PP3_strong, PP4, PM1, PM2_supporting, PM3_strong

Labcorp Genetics (formerly Invitae), Labcorp
Classification: Pathogenic for LAMA2-related muscular dystrophy. Last evaluated: 2023-04-06. Review status: criteria provided, single submitter. Criteria: Invitae Variant Classification Sherloc (09022015). Collection method: clinical testing. Allele origin: germline.
Comment: This sequence change replaces cysteine, which is neutral and slightly polar, with arginine, which is basic and polar, at codon 862 of the LAMA2 protein (p.Cys862Arg). This variant is not present in population databases (gnomAD no frequency). This missense change has been observed in individuals with congenital muscular dystrophy (PMID: 30827497, 32266982; Invitae). ClinVar contains an entry for this variant (Variation ID: 14297). Advanced modeling of protein sequence and biophysical properties (such as structural, functional, and spatial information, amino acid conservation, physicochemical variation, residue mobility, and thermodynamic stability) has been performed at Invitae for this missense variant, however the output from this modeling did not meet the statistical confidence thresholds required to predict the impact of this variant on LAMA2 protein function. For these reasons, this variant has been classified as Pathogenic.

Revvity Omics, Revvity
Classification: Uncertain significance. Last evaluated: 2021-03-24. Review status: criteria provided, single submitter. Criteria: ACMG Guidelines, 2015. Collection method: clinical testing. Allele origin: germline.

Eurofins Ntd Llc (ga)
Classification: Uncertain significance. Last evaluated: 2016-05-27. Review status: criteria provided, single submitter. Criteria: EGL Classification Definitions 2015. Collection method: clinical testing. Allele origin: germline. Observed: 1 variant allele, 1 heterozygote.

OMIM
Classification: Pathogenic for MUSCULAR DYSTROPHY, CONGENITAL, DUE TO PARTIAL LAMA2 DEFICIENCY. Last evaluated: 2003-02-01. Review status: no assertion criteria provided. Collection method: literature only. Allele origin: germline. Not counted in ClinVar's aggregate classification.

Literature cited by the submitters: PubMed 30055037 (cited by Women's Health and Genetics/Laboratory Corporation of America, LabCorp); PubMed 32403337 (cited by Women's Health and Genetics/Laboratory Corporation of America, LabCorp and Mayo Clinic Laboratories, Mayo Clinic); PubMed 30827497 (cited by 3 submitters); PubMed 32266982 (cited by 3 submitters); PubMed 12552556 (cited by 3 submitters); PubMed 35924034 (cited by Women's Health and Genetics/Laboratory Corporation of America, LabCorp and Mayo Clinic Laboratories, Mayo Clinic); PubMed 18430779 (cited by Women's Health and Genetics/Laboratory Corporation of America, LabCorp); PubMed 39177609 (cited by Women's Health and Genetics/Laboratory Corporation of America, LabCorp); PubMed 34325301 (cited by Mayo Clinic Laboratories, Mayo Clinic).

NM_000426.4(LAMA2):c.2584T>C (p.Cys862Arg)

Gene: LAMA2 (laminin subunit alpha 2; plus strand). Cytogenetic location: 6q22.33.
Variant type: single nucleotide variant.
Coding change: c.2584T>C on transcript NM_000426.4 (MANE Select); coding-DNA position 2584, T replaced by C.
Protein change: p.Cys862Arg; replaces cysteine 862 with arginine.
Molecular consequence: missense variant.
Genome position (GRCh38, 1-based): chr6:129,287,893, T>C. VCF-style: chr6-129287893-T-C. GRCh37 (hg19) VCF-style: chr6-129609038-T-C.
Other names: c.2584T>C, p.Cys862Arg (NM_001079823.2); short protein forms C862R.
Identifiers: ClinVar variation 14297 (VCV000014297.17), dbSNP rs121913573, ClinGen allele CA123842.
Genomic context (GRCh38, chr6:129,287,893, plus strand): 5'-ATTTCTTGCCTTAGGTGTGCAGAAGGCTATTTTGGACAACCCTCTGTACCTGGAGGATCA[T>C]GTCAGCCATGCCAATGCAATGACAACCTTGACTTCTCCATCCCTGGCAGCTGTGACAGCT-3'
Protein context (NP_000417.3, residues 852-872): FGQPSVPGGS[Cys862Arg]QPCQCNDNLD